The following is an entry in ClinVar:

ClinVar aggregate classification (germline): Benign. Review status: criteria provided, single submitter (1 of 4 stars). 2 submissions from 2 submitters: Benign (1). 1 of the submissions does not count toward it. Last evaluated 2025-12-27.

Conditions:
MGAT2-related disorder. Also called: MGAT2-related condition.
MGAT2-congenital disorder of glycosylation. Also called: MENTAL RETARDATION, GROWTH RETARDATION, PROMINENT COLUMELLA, AND OPEN MOUTH; Alkuraya syndrome; Congenital disorder of glycosylation, type IIa; CDG IIa; MGAT2-CDG. Identifiers: Orphanet 79329, MedGen C2931008, MONDO:0008908, OMIM 212066.

Allele frequency attached by ClinVar (database versions not stated): gnomAD 0.00003; gnomAD exomes 0.00009; TOPMed 0.00014; ExAC 0.00041.

Submissions (2):

Labcorp Genetics (formerly Invitae), Labcorp
Classification: Benign for MGAT2-congenital disorder of glycosylation. Last evaluated: 2025-12-27. Review status: criteria provided, single submitter. Criteria: Invitae Variant Classification Sherloc (09022015). Collection method: clinical testing. Allele origin: germline.

PreventionGenetics, part of Exact Sciences
Classification: Likely benign for MGAT2-related condition. Last evaluated: 2023-12-05. Review status: no assertion criteria provided. Collection method: clinical testing. Allele origin: germline. Not counted in ClinVar's aggregate classification.
Comment: This variant is classified as likely benign based on ACMG/AMP sequence variant interpretation guidelines (Richards et al. 2015 PMID: 25741868, with internal and published modifications).

NM_002408.4(MGAT2):c.216G>A (p.Ala72=)

Gene: MGAT2 (alpha-1,6-mannosyl-glycoprotein 2-beta-N-acetylglucosaminyltransferase; plus strand). Cytogenetic location: 14q21.3.
Variant type: single nucleotide variant.
Coding change: c.216G>A on transcript NM_002408.4 (MANE Select); coding-DNA position 216, G replaced by A.
Protein change: p.Ala72=; no amino-acid change (alanine 72 retained).
Molecular consequence: synonymous variant.
Genome position (GRCh38, 1-based): chr14:49,621,484, G>A. VCF-style: chr14-49621484-G-A. GRCh37 (hg19) VCF-style: chr14-50088202-G-A.
Other names: c.216G>A (NM_002408.3).
Identifiers: ClinVar variation 2083378 (VCV002083378.6), dbSNP rs766722078, ClinGen allele CA7172493.